The following is an entry in ClinVar:

ClinVar aggregate classification (germline): Uncertain significance. Review status: criteria provided, multiple submitters, no conflicts (2 of 4 stars). 2 submissions from 2 submitters: Uncertain significance (2). Last evaluated 2026-02-03.

Conditions:
Bethlem myopathy 2 (BTHLM2). Identifiers: Orphanet 536516, Orphanet 610, MedGen C4225313, MONDO:0034022, OMIM 616471.
Ullrich congenital muscular dystrophy 2 (UCMD2). Identifiers: Orphanet 75840, MedGen C4225314, MONDO:0014654, OMIM 616470.

Submissions (2):

GeneDx
Classification: Uncertain significance. Last evaluated: 2026-02-03. Review status: criteria provided, single submitter. Criteria: GeneDx Variant Classification Process June 2021. Collection method: clinical testing. Allele origin: germline.
Comment: Not observed at significant frequency in large population cohorts (gnomAD); In silico analysis supports that this missense variant has a deleterious effect on protein structure/function; Has not been previously published as pathogenic or benign to our knowledge

Labcorp Genetics (formerly Invitae), Labcorp
Classification: Uncertain significance for Bethlem myopathy 2; Ullrich congenital muscular dystrophy 2. Last evaluated: 2024-12-19. Review status: criteria provided, single submitter. Criteria: Invitae Variant Classification Sherloc (09022015). Collection method: clinical testing. Allele origin: germline.
Comment: This sequence change replaces asparagine, which is neutral and polar, with threonine, which is neutral and polar, at codon 1390 of the COL12A1 protein (p.Asn1390Thr). This variant is not present in population databases (gnomAD no frequency). This variant has not been reported in the literature in individuals affected with COL12A1-related conditions. Invitae Evidence Modeling of protein sequence and biophysical properties (such as structural, functional, and spatial information, amino acid conservation, physicochemical variation, residue mobility, and thermodynamic stability) indicates that this missense variant is not expected to disrupt COL12A1 protein function with a negative predictive value of 80%. In summary, the available evidence is currently insufficient to determine the role of this variant in disease. Therefore, it has been classified as a Variant of Uncertain Significance.

NM_004370.6(COL12A1):c.4169A>C (p.Asn1390Thr)

Gene: COL12A1 (collagen type XII alpha 1 chain; minus strand). Cytogenetic location: 6q13.
Variant type: single nucleotide variant.
Coding change: c.4169A>C on transcript NM_004370.6 (MANE Select); coding-DNA position 4169, A replaced by C.
Protein change: p.Asn1390Thr; replaces asparagine 1390 with threonine.
Molecular consequence: missense variant.
Genome position (GRCh38, 1-based): chr6:75,148,476, T>G on the plus strand (A>C on the coding strand, the complement: COL12A1 is on the minus strand). VCF-style: chr6-75148476-T-G. GRCh37 (hg19) VCF-style: chr6-75858192-T-G.
Other names: c.4169A>C, p.Asn1390Thr (NM_001424113.1, NM_001424114.1); c.3896A>C, p.Asn1299Thr (NM_001424115.1); c.677A>C, p.Asn226Thr (NM_001424116.1, NM_080645.3); c.4169A>C (NM_004370.5); short protein forms N1299T, N1390T, N226T.
Identifiers: ClinVar variation 3758921 (VCV003758921.3).